The following is an entry in ClinVar:

ClinVar aggregate classification (germline): Likely benign. Review status: criteria provided, multiple submitters, no conflicts (2 of 4 stars). 4 submissions from 4 submitters: Likely benign (3). 1 of the submissions does not count toward it. Last evaluated 2026-01-27.

Conditions:
NLRP1-related disorder. Also called: NLRP1-related condition.

Allele frequency attached by ClinVar (database versions not stated): gnomAD exomes 0.00014 and 0.00035; ExAC 0.00047; ESP Exome Variant Server 0.00138; gnomAD 0.00142 and 0.00149; TOPMed 0.00170; 1000 Genomes Project 0.00180; 1000 Genomes Project 30x 0.00219.
gnomAD v4.1: 434 of 1,614,218 alleles (0.027%); highest among the groups gnomAD compares: African/African-American, 0.52%; 1 homozygote.

Submissions (4):

Labcorp Genetics (formerly Invitae), Labcorp
Classification: Likely benign. Last evaluated: 2026-01-27. Review status: criteria provided, single submitter. Criteria: Invitae Variant Classification Sherloc (09022015). Collection method: clinical testing. Allele origin: germline.

CeGaT Center for Human Genetics Tuebingen
Classification: Likely benign. Last evaluated: 2025-07-01. Review status: criteria provided, single submitter. Criteria: CeGaT Center For Human Genetics Tuebingen Variant Classification Criteria Version 2. Collection method: clinical testing. Allele origin: germline. Affected: yes. Observed: 1 variant allele.
Comment: NLRP1: BP4, BS2

Blueprint Genetics
Classification: Likely benign. Last evaluated: 2023-08-14. Review status: criteria provided, single submitter. Criteria: ACMG Guidelines, 2015. Collection method: clinical testing. Allele origin: germline.

PreventionGenetics, part of Exact Sciences
Classification: Likely benign for NLRP1-related condition. Last evaluated: 2019-08-13. Review status: no assertion criteria provided. Collection method: clinical testing. Allele origin: germline. Not counted in ClinVar's aggregate classification.
Comment: This variant is classified as likely benign based on ACMG/AMP sequence variant interpretation guidelines (Richards et al. 2015 PMID: 25741868, with internal and published modifications).

NM_033004.4(NLRP1):c.1189C>G (p.Gln397Glu)

Gene: NLRP1 (NLR family pyrin domain containing 1; minus strand). Cytogenetic location: 17p13.2.
Variant type: single nucleotide variant.
Coding change: c.1189C>G on transcript NM_033004.4 (MANE Select); coding-DNA position 1189, C replaced by G.
Protein change: p.Gln397Glu; replaces glutamine 397 with glutamic acid.
Molecular consequence: missense variant.
Genome position (GRCh38, 1-based): chr17:5,559,507, G>C on the plus strand (C>G on the coding strand, the complement: NLRP1 is on the minus strand). VCF-style: chr17-5559507-G-C. GRCh37 (hg19) VCF-style: chr17-5462827-G-C.
Other names: c.1189C>G, p.Gln397Glu (NM_001033053.3, NM_014922.5, NM_033006.4 and 1 more transcripts); short protein forms Q397E.
Identifiers: ClinVar variation 785550 (VCV000785550.22), dbSNP rs141104382, ClinGen allele CA8327407.